The following is an entry in ClinVar:

ClinVar aggregate classification (germline): Uncertain significance (1 of 4 stars; one submission).

Conditions:
Hereditary cancer-predisposing syndrome. Also called: Tumor predisposition; Neoplastic Syndromes, Hereditary; Hereditary Cancer Syndrome; Hereditary neoplastic syndrome. Identifiers: Orphanet 140162, MedGen C0027672, MeSH D009386, MONDO:0015356.

Submission:

Ambry Genetics
Classification: Uncertain significance for Hereditary cancer-predisposing syndrome. Last evaluated: 2025-01-14. Review status: criteria provided, single submitter. Criteria: Ambry Variant Classification Scheme 2023. Collection method: clinical testing. Allele origin: germline.
Comment: The p.A221S variant (also known as c.661G>T), located in coding exon 3 of the PHOX2B gene, results from a G to T substitution at nucleotide position 661. The alanine at codon 221 is replaced by serine, an amino acid with similar properties. This amino acid position is conserved. In addition, this alteration is predicted to be tolerated by in silico analysis. Based on the available evidence, the clinical significance of this variant remains unclear.

NM_003924.4(PHOX2B):c.661G>T (p.Ala221Ser)

Gene: PHOX2B (paired like homeobox 2B; minus strand). Cytogenetic location: 4p13.
Variant type: single nucleotide variant.
Coding change: c.661G>T on transcript NM_003924.4 (MANE Select); coding-DNA position 661, G replaced by T.
Protein change: p.Ala221Ser; replaces alanine 221 with serine.
Molecular consequence: missense variant.
Genome position (GRCh38, 1-based): chr4:41,746,091, C>A on the plus strand (G>T on the coding strand, the complement: PHOX2B is on the minus strand). VCF-style: chr4-41746091-C-A. GRCh37 (hg19) VCF-style: chr4-41748108-C-A.
Other names: short protein forms A221S.
Identifiers: ClinVar variation 3888476 (VCV003888476.1).